The following is an entry in ClinVar:

ClinVar aggregate classification (germline): Pathogenic/Likely pathogenic. Review status: criteria provided, multiple submitters, no conflicts (2 of 4 stars). 2 submissions from 2 submitters: Pathogenic (1); Likely pathogenic (1). Last evaluated 2025-12-17.

Conditions:
TNFAIP3-related disorder. Also called: TNFAIP3-related condition.

Submissions (2):

Labcorp Genetics (formerly Invitae), Labcorp
Classification: Pathogenic. Last evaluated: 2025-12-17. Review status: criteria provided, single submitter. Criteria: Invitae Variant Classification Sherloc (09022015). Collection method: clinical testing. Allele origin: germline.
Comment: This sequence change creates a premature translational stop signal (p.Glu630*) in the TNFAIP3 gene. It is expected to result in an absent or disrupted protein product. Loss-of-function variants in TNFAIP3 are known to be pathogenic (PMID: 26642243). This variant is not present in population databases (gnomAD no frequency). This variant has not been reported in the literature in individuals affected with TNFAIP3-related conditions. Algorithms developed to predict the effect of sequence changes on RNA splicing suggest that this variant may disrupt the consensus splice site. For these reasons, this variant has been classified as Pathogenic.

Blueprint Genetics
Classification: Likely pathogenic for TNFAIP3-related disorders. Last evaluated: 2022-04-15. Review status: criteria provided, single submitter. Criteria: ACMG Guidelines, 2015. Collection method: clinical testing. Allele origin: germline. Affected: yes. Observed: 1 variant allele.

Literature cited by the submitters: PubMed 26642243 (cited by Labcorp Genetics (formerly Invitae), Labcorp).

NM_001270508.2(TNFAIP3):c.1888G>T (p.Glu630Ter)

Gene: TNFAIP3 (TNF alpha induced protein 3; plus strand). Cytogenetic location: 6q23.3.
Variant type: single nucleotide variant.
Coding change: c.1888G>T on transcript NM_001270508.2 (MANE Select); coding-DNA position 1888, G replaced by T.
Protein change: p.Glu630Ter; replaces glutamic acid 630 with a stop codon.
Molecular consequence: nonsense.
Genome position (GRCh38, 1-based): chr6:137,879,333, G>T. VCF-style: chr6-137879333-G-T. GRCh37 (hg19) VCF-style: chr6-138200470-G-T.
Other names: c.1888G>T, p.Glu630Ter (NM_001270507.2, NM_006290.4); short protein forms E630*.
Identifiers: ClinVar variation 4733541 (VCV004733541.2).